The following is an entry in ClinVar:

ClinVar aggregate classification (germline): Uncertain significance (1 of 4 stars; one submission).

Conditions:
Kufor-Rakeb syndrome (KRS). Also called: PARKINSON DISEASE 9, AUTOSOMAL RECESSIVE, JUVENILE-ONSET. Identifiers: Orphanet 306674, Orphanet 314632, MedGen C1847640, MONDO:0011706, OMIM 606693.
Autosomal recessive spastic paraplegia type 78. Identifiers: Orphanet 513436, MedGen C5567893, MONDO:0014975, OMIM 617225.

Submission:

Labcorp Genetics (formerly Invitae), Labcorp
Classification: Uncertain significance for Kufor-Rakeb syndrome; Autosomal recessive spastic paraplegia type 78. Last evaluated: 2021-11-05. Review status: criteria provided, single submitter. Criteria: Invitae Variant Classification Sherloc (09022015). Collection method: clinical testing. Allele origin: germline.
Comment: In summary, the available evidence is currently insufficient to determine the role of this variant in disease. Therefore, it has been classified as a Variant of Uncertain Significance. Experimental studies and prediction algorithms are not available or were not evaluated, and the functional significance of this variant is currently unknown. This variant has not been reported in the literature in individuals affected with ATP13A2-related conditions. Information on the frequency of this variant in the gnomAD database is not available, as this variant may be reported differently in the database. This sequence change replaces arginine, which is basic and polar, with tryptophan, which is neutral and slightly polar, at codon 991 of the ATP13A2 protein (p.Arg991Trp).

NM_022089.4(ATP13A2):c.2970_2971delinsAT (p.Arg991Trp)

Gene: ATP13A2 (ATPase cation transporting 13A2; minus strand). Cytogenetic location: 1p36.13.
Variant type: Indel.
Coding change: c.2970_2971delinsAT on transcript NM_022089.4 (MANE Select); coding-DNA positions 2970 to 2971, GC replaced by AT.
Protein change: p.Arg991Trp; replaces arginine 991 with tryptophan.
Molecular consequence: missense variant.
Genome position (GRCh38, 1-based): chr1:16,987,158-16,987,159, GC replaced by AT on the plus strand (GC replaced by AT on the coding strand, the reverse complement: ATP13A2 is on the minus strand). VCF-style: chr1-16987158-GC-AT. GRCh37 (hg19) VCF-style: chr1-17313653-GC-AT.
Other names: c.2955_2956delinsAT, p.Arg986Trp (NM_001141973.3); c.2838_2839delinsAT, p.Arg947Trp (NM_001141974.3); short protein forms R986W, R947W, R991W.
Identifiers: ClinVar variation 1404164 (VCV001404164.4), dbSNP rs2100656614, ClinGen allele CA2573130754.